The following is an entry in ClinVar:

NM_021254.4(CFAP298):c.452T>A (p.Met151Lys)

Genes: CFAP298 (cilia and flagella associated protein 298; minus strand), CFAP298-TCP10L (CFAP298-TCP10L readthrough; minus strand). Cytogenetic location: 21q22.11.
Variant type: single nucleotide variant.
Coding change: c.452T>A on transcript NM_021254.4 (MANE Select); coding-DNA position 452, T replaced by A.
Protein change: p.Met151Lys; replaces methionine 151 with lysine.
Molecular consequence: missense variant. On other transcripts: non-coding transcript variant (2).
Genome position (GRCh38, 1-based): chr21:32,604,207, A>T on the plus strand (T>A on the coding strand, the complement: CFAP298 is on the minus strand). VCF-style: chr21-32604207-A-T. GRCh37 (hg19) VCF-style: chr21-33976517-A-T.
Other names: c.452T>A, p.Met151Lys (NM_001350338.2, NM_001350335.2, NM_001350336.2 and 1 more transcripts); c.155T>A, p.Met52Lys (NM_001350334.2); short protein forms M52K, M151K.
Identifiers: ClinVar variation 1967061 (VCV001967061.2), dbSNP rs2517194111, ClinGen allele CA410074461.

ClinVar aggregate classification (germline): Uncertain significance (1 of 4 stars; one submission).

Allele frequency attached by ClinVar (database versions not stated): gnomAD exomes below 0.00001.

Submission:

Labcorp Genetics (formerly Invitae), Labcorp
Classification: Uncertain significance. Last evaluated: 2022-05-20. Review status: criteria provided, single submitter. Criteria: Invitae Variant Classification Sherloc (09022015). Collection method: clinical testing. Allele origin: germline.
Comment: This sequence change replaces methionine, which is neutral and non-polar, with lysine, which is basic and polar, at codon 151 of the CFAP298 protein (p.Met151Lys). This variant is not present in population databases (gnomAD no frequency). This variant has not been reported in the literature in individuals affected with CFAP298-related conditions. Algorithms developed to predict the effect of missense changes on protein structure and function are either unavailable or do not agree on the potential impact of this missense change (SIFT: "Deleterious"; PolyPhen-2: "Possibly Damaging"; Align-GVGD: "Class C0"). In summary, the available evidence is currently insufficient to determine the role of this variant in disease. Therefore, it has been classified as a Variant of Uncertain Significance.